The following is an entry in ClinVar:

ClinVar aggregate classification (germline): Benign/Likely benign. Review status: criteria provided, multiple submitters, no conflicts (2 of 4 stars). 8 submissions from 8 submitters: Benign (5); Likely benign (3). Last evaluated 2026-02-01.

Conditions:
Autosomal recessive nonsyndromic hearing loss 23. Identifiers: Orphanet 90636, MedGen C1836027, MONDO:0012293, OMIM 609533.
Usher syndrome type 1D (USH1D). Also called: USHER SYNDROME, TYPE ID. Identifiers: Orphanet 231169, Orphanet 886, MedGen C1832845, MONDO:0010984, OMIM 601067.
Usher syndrome type 1F (USH1F). Also called: USHER SYNDROME, TYPE IF. Identifiers: Orphanet 231169, Orphanet 886, MedGen C1865885, MONDO:0011186, OMIM 602083.
Usher syndrome type 1 (USH1). Also called: RETINITIS PIGMENTOSA AND CONGENITAL DEAFNESS. Identifiers: Orphanet 231169, Orphanet 886, MedGen C1568247, MONDO:0010168, OMIM 276900.

Allele frequency attached by ClinVar (database versions not stated): gnomAD 0.00483 and 0.00471; TOPMed 0.00420; ExAC 0.00524; gnomAD exomes 0.00638 and 0.00499; 1000 Genomes Project 0.00280; ESP Exome Variant Server 0.00500; 1000 Genomes Project 30x 0.00312.
gnomAD v4.1: 9,969 of 1,613,324 alleles (0.62%); highest among the groups gnomAD compares: Non-Finnish European, 0.73%; 53 homozygotes.

Submissions (8):

Labcorp Genetics (formerly Invitae), Labcorp
Classification: Benign. Last evaluated: 2026-02-01. Review status: criteria provided, single submitter. Criteria: Invitae Variant Classification Sherloc (09022015). Collection method: clinical testing. Allele origin: germline.

Blueprint Genetics
Classification: Likely benign. Last evaluated: 2024-11-27. Review status: criteria provided, single submitter. Criteria: ACMG Guidelines, 2015. Collection method: clinical testing. Allele origin: germline.

ARUP Laboratories, Molecular Genetics and Genomics, ARUP Laboratories
Classification: Benign. Last evaluated: 2022-04-08. Review status: criteria provided, single submitter. Criteria: ARUP Molecular Germline Variant Investigation Process 2021. Collection method: clinical testing. Allele origin: germline.

Fulgent Genetics
Classification: Likely benign for Usher syndrome type 1D; Usher syndrome type 1F; Autosomal recessive nonsyndromic hearing loss 23. Last evaluated: 2022-01-21. Review status: criteria provided, single submitter. Criteria: ACMG Guidelines, 2015. Collection method: clinical testing. Allele origin: unknown.

Women's Health and Genetics/Laboratory Corporation of America, LabCorp
Classification: Benign. Last evaluated: 2018-11-16. Review status: criteria provided, single submitter. Criteria: LabCorp Variant Classification Summary - May 2015. Collection method: clinical testing. Allele origin: germline.
Comment: Variant summary: PCDH15 c.3983+12T>C alters a non-conserved nucleotide located close to a canonical splice site and therefore could affect mRNA splicing, leading to a significantly altered protein sequence. The variant allele was found at a frequency of 0.0052 in 277196 control chromosomes in the gnomAD database, including 12 homozygotes. The observed variant frequency is approximately 1.6 fold of the estimated maximal expected allele frequency for a pathogenic variant in PCDH15 causing Usher Syndrome Type 1F phenotype (0.0032), strongly suggesting that the variant is benign. c.3983+12T>C has been reported in the literature in individuals affected with Usher Syndrome Type 1F. These report(s) do not provide unequivocal conclusions about association of the variant with Usher Syndrome Type 1F. To our knowledge, no experimental evidence demonstrating an impact on protein function has been reported. One clinical diagnostic laboratory has submitted clinical-significance assessments for this variant to ClinVar after 2014 without evidence for independent evaluation and classified the variant as uncertain significance. However, two other clinical diagnostic laboratories classified this variant as benign before 2014. Based on the evidence outlined above, the variant was classified as benign.

Illumina Laboratory Services, Illumina
Classification: Likely benign for Usher syndrome type 1. Last evaluated: 2018-01-12. Review status: criteria provided, single submitter. Criteria: ICSL Variant Classification Criteria 13 December 2019. Collection method: clinical testing. Allele origin: germline.
Comment: This variant was observed in the ICSL laboratory as part of a predisposition screen in an ostensibly healthy population. It had not been previously curated by ICSL or reported in the Human Gene Mutation Database (HGMD: prior to June 1st, 2018), and was therefore a candidate for classification through an automated scoring system. Utilizing variant allele frequency, disease prevalence and penetrance estimates, and inheritance mode, an automated score was calculated to assess if this variant is too frequent to cause the disease. Based on the score and internal cut-off values, a variant classified as likely benign is not then subjected to further curation. The score for this variant resulted in a classification of likely benign for this disease.

GeneDx
Classification: Benign. Last evaluated: 2013-10-17. Review status: criteria provided, single submitter. Criteria: GeneDx Variant Classification (06012015). Collection method: clinical testing. Allele origin: germline. Affected: yes.
Comment: This variant is considered likely benign or benign based on one or more of the following criteria: it is a conservative change, it occurs at a poorly conserved position in the protein, it is predicted to be benign by multiple in silico algorithms, and/or has population frequency not consistent with disease.

Laboratory for Molecular Medicine, Mass General Brigham Personalized Medicine
Classification: Benign. Last evaluated: 2012-05-07. Review status: criteria provided, single submitter. Criteria: LMM Criteria. Collection method: clinical testing. Allele origin: germline. Observed: 11 variant alleles.
Comment: 3983+12T>C in Intron 29 of PCDH15: This variant is not expected to have clinical significance because it is not located within the conserved splice consensus se quence and has been identified in 0.7% (46/7020) of European American chromosome s from a broad population by the NHLBI Exome Sequencing Project (dbSNP rs149867749).

Literature cited by the submitters: PubMed 22135276 (cited by Women's Health and Genetics/Laboratory Corporation of America, LabCorp); PubMed 15660226 (cited by Women's Health and Genetics/Laboratory Corporation of America, LabCorp).

NM_001384140.1(PCDH15):c.3983+12T>C

Gene: PCDH15 (protocadherin related 15; minus strand). Cytogenetic location: 10q21.1.
Variant type: single nucleotide variant.
Coding change: c.3983+12T>C on transcript NM_001384140.1 (MANE Select); 12 bases into the intron after coding-DNA position 3983, T replaced by C.
Molecular consequence: intron variant.
Genome position (GRCh38, 1-based): chr10:53,840,308, A>G on the plus strand (T>C on the coding strand, the complement: PCDH15 is on the minus strand). VCF-style: chr10-53840308-A-G. GRCh37 (hg19) VCF-style: chr10-55600068-A-G.
Other names: c.3983+12T>C (NM_001142772.2, NM_001142770.3, NM_001142766.2 and 4 more transcripts); c.3998+12T>C (NM_001142771.2, NM_001142763.2); c.4004+12T>C (NM_001354411.2); c.4019+12T>C (NM_001142769.3); c.3917+12T>C (NM_001354404.2, NM_001142773.2, NM_001142768.2); c.3872+12T>C (NM_001142767.2); c.3770+12T>C (NM_001142765.2).
Identifiers: ClinVar variation 138586 (VCV000138586.30), dbSNP rs149867749, ClinGen allele CA182694.